The following is an entry in ClinVar:

NM_003467.3(CXCR4):c.1008A>G (p.Gly336=)

Gene: CXCR4 (C-X-C motif chemokine receptor 4; minus strand). Cytogenetic location: 2q22.1.
Variant type: single nucleotide variant.
Coding change: c.1008A>G on transcript NM_003467.3 (MANE Select); coding-DNA position 1008, A replaced by G.
Protein change: p.Gly336=; no amino-acid change (glycine 336 retained).
Molecular consequence: synonymous variant.
Genome position (GRCh38, 1-based): chr2:136,114,920, T>C on the plus strand (A>G on the coding strand, the complement: CXCR4 is on the minus strand). VCF-style: chr2-136114920-T-C. GRCh37 (hg19) VCF-style: chr2-136872490-T-C.
Other names: c.1020A>G, p.Gly340= (NM_001008540.2); c.1221A>G, p.Gly407= (NM_001348056.2); c.1107A>G, p.Gly369= (NM_001348059.2); c.963A>G, p.Gly321= (NM_001348060.2).
Identifiers: ClinVar variation 2148587 (VCV002148587.5), dbSNP rs755102336, ClinGen allele CA1890054.
Genomic context (GRCh38, chr2:136,114,920, plus strand): 5'-ACATCTGTGTTAGCTGGAGTGAAAACTTGAAGACTCAGACTCAGTGGAAACAGATGAATG[T>C]CCACCTCGCTTTCCTTTGGAGAGGATCTTGAGGCTGGACCCTCTGCTCACAGAGGTGAGT-3'
Protein context (NP_003458.1, residues 326-346): LKILSKGKRG[Gly336=]HSSVSTESES

ClinVar aggregate classification (germline): Conflicting classifications of pathogenicity. Review status: criteria provided, conflicting classifications (1 of 4 stars). 2 submissions from 2 submitters: Uncertain significance (1); Likely benign (1). Last evaluated 2025-04-01.

Conditions:
Warts, hypogammaglobulinemia, infections, and myelokathexis. Also called: WHIM syndrome. Identifiers: MedGen C0472817, MONDO:0023880.

Allele frequency attached by ClinVar (database versions not stated): ExAC 0.00001; TOPMed 0.00001; gnomAD 0.00002.
gnomAD v4.1: 11 of 1,612,088 alleles (0.00068%); highest among the groups gnomAD compares: East Asian, 0.0022%; no homozygotes.

Submissions (2):

ARUP Laboratories, Molecular Genetics and Genomics, ARUP Laboratories
Classification: Uncertain significance. Last evaluated: 2025-04-01. Review status: criteria provided, single submitter. Criteria: ARUP Molecular Germline Variant Investigation Process 2024. Collection method: clinical testing. Allele origin: germline.
Comment: The CXCR4 c.1008A>G; p.Gly336= variant (rs755102336), to our knowledge, is not reported in the medical literature but is reported in ClinVar (Variation ID: 2148587). This variant is only observed on three alleles in the Genome Aggregation Database (v2.1.1), indicating it is not a common polymorphism. This is a synonymous variant and computational analyses (Alamut Visual Plus v.1.12) predict that this variant may impact splicing by creating a novel cryptic donor splice site. However, given the lack of clinical and functional data, the significance of this variant is uncertain at this time.

Labcorp Genetics (formerly Invitae), Labcorp
Classification: Likely benign for Warts, hypogammaglobulinemia, infections, and myelokathexis. Last evaluated: 2024-07-01. Review status: criteria provided, single submitter. Criteria: Invitae Variant Classification Sherloc (09022015). Collection method: clinical testing. Allele origin: germline.